The following is an entry in ClinVar:

ClinVar aggregate classification (germline): Uncertain significance. Review status: criteria provided, multiple submitters, no conflicts (2 of 4 stars). 3 submissions from 3 submitters: Uncertain significance (3). Last evaluated 2024-01-29.

Conditions:
Inborn genetic diseases. Identifiers: MedGen C0950123, MeSH D030342.
Familial hemophagocytic lymphohistiocytosis 3 (FHL3). Also called: UNC13D-Related Familial Hemophagocytic Lymphohistiocytosis (UNC13D-fHLH). Identifiers: Orphanet 540, MedGen C1837174, MONDO:0012146, OMIM 608898.

Allele frequency attached by ClinVar (database versions not stated): gnomAD exomes below 0.00001; ExAC 0.00001; gnomAD 0.00007; TOPMed 0.00012; 1000 Genomes Project 0.00020; 1000 Genomes Project 30x 0.00031.
gnomAD v4.1: 14 of 1,614,150 alleles (0.00087%); highest among the groups gnomAD compares: Admixed American, 0.017%; no homozygotes.

Submissions (3):

Labcorp Genetics (formerly Invitae), Labcorp
Classification: Uncertain significance for Familial hemophagocytic lymphohistiocytosis 3. Last evaluated: 2024-01-29. Review status: criteria provided, single submitter. Criteria: Invitae Variant Classification Sherloc (09022015). Collection method: clinical testing. Allele origin: germline.
Comment: This sequence change replaces threonine, which is neutral and polar, with isoleucine, which is neutral and non-polar, at codon 643 of the UNC13D protein (p.Thr643Ile). This variant is present in population databases (rs184046644, gnomAD 0.003%). This variant has not been reported in the literature in individuals affected with UNC13D-related conditions. ClinVar contains an entry for this variant (Variation ID: 969494). Advanced modeling of protein sequence and biophysical properties (such as structural, functional, and spatial information, amino acid conservation, physicochemical variation, residue mobility, and thermodynamic stability) performed at Invitae indicates that this missense variant is not expected to disrupt UNC13D protein function with a negative predictive value of 80%. In summary, the available evidence is currently insufficient to determine the role of this variant in disease. Therefore, it has been classified as a Variant of Uncertain Significance.

Ambry Genetics
Classification: Uncertain significance for Inborn genetic diseases. Last evaluated: 2021-08-02. Review status: criteria provided, single submitter. Criteria: Ambry Variant Classification Scheme 2023. Collection method: clinical testing. Allele origin: germline.

Blueprint Genetics
Classification: Uncertain significance. Last evaluated: 2019-11-05. Review status: criteria provided, single submitter. Criteria: ACMG Guidelines, 2015. Collection method: clinical testing. Allele origin: germline.

NM_199242.3(UNC13D):c.1928C>T (p.Thr643Ile)

Gene: UNC13D (unc-13 homolog D; minus strand). Cytogenetic location: 17q25.1.
Variant type: single nucleotide variant.
Coding change: c.1928C>T on transcript NM_199242.3 (MANE Select); coding-DNA position 1928, C replaced by T.
Protein change: p.Thr643Ile; replaces threonine 643 with isoleucine.
Molecular consequence: missense variant.
Genome position (GRCh38, 1-based): chr17:75,834,984, G>A on the plus strand (C>T on the coding strand, the complement: UNC13D is on the minus strand). VCF-style: chr17-75834984-G-A. GRCh37 (hg19) VCF-style: chr17-73831065-G-A.
Other names: short protein forms T643I.
Identifiers: ClinVar variation 969494 (VCV000969494.10), dbSNP rs184046644, ClinGen allele CA8772746.